The following is an entry in ClinVar:

ClinVar aggregate classification (germline): Uncertain significance (1 of 4 stars; one submission).

Conditions:
Long QT syndrome (LQTS). Identifiers: MedGen C0023976, MeSH D008133, MONDO:0002442. Disease mechanism: loss of function. Inheritance: Various modes of inheritance.

Allele frequency attached by ClinVar (database versions not stated): gnomAD exomes below 0.00001; gnomAD 0.00001; TOPMed 0.00001.
gnomAD v4.1: 3 of 1,613,918 alleles (0.00019%); highest among the groups gnomAD compares: Middle Eastern, 0.016%; no homozygotes.

Submission:

Labcorp Genetics (formerly Invitae), Labcorp
Classification: Uncertain significance for Long QT syndrome. Last evaluated: 2022-09-27. Review status: criteria provided, single submitter. Criteria: Invitae Variant Classification Sherloc (09022015). Collection method: clinical testing. Allele origin: germline.
Comment: In summary, the available evidence is currently insufficient to determine the role of this variant in disease. Therefore, it has been classified as a Variant of Uncertain Significance. Algorithms developed to predict the effect of missense changes on protein structure and function output the following: SIFT: "Tolerated"; PolyPhen-2: "Benign"; Align-GVGD: "Class C0". The lysine amino acid residue is found in multiple mammalian species, which suggests that this missense change does not adversely affect protein function. This variant has not been reported in the literature in individuals affected with ANK2-related conditions. This variant is not present in population databases (gnomAD no frequency). This sequence change replaces arginine, which is basic and polar, with lysine, which is basic and polar, at codon 1889 of the ANK2 protein (p.Arg1889Lys).

NM_001148.6(ANK2):c.5666G>A (p.Arg1889Lys)

Genes: ANK2 (ankyrin 2; plus strand), LOC126807136 (MED14-independent group 3 enhancer GRCh37_chr4:114274931-114276130; plus strand). Cytogenetic location: 4q26.
Variant type: single nucleotide variant.
Coding change: c.5666G>A on transcript NM_001148.6 (MANE Select); coding-DNA position 5666, G replaced by A.
Protein change: p.Arg1889Lys; replaces arginine 1889 with lysine.
Molecular consequence: missense variant. On other transcripts: intron variant (68).
Genome position (GRCh38, 1-based): chr4:113,354,284, G>A. VCF-style: chr4-113354284-G-A. GRCh37 (hg19) VCF-style: chr4-114275440-G-A.
Other names: c.5432G>A, p.Arg1811Lys (NM_001386142.1); c.2066G>A, p.Arg689Lys (NM_001386166.1); c.5807G>A, p.Arg1936Lys (NM_001386174.1); c.5783G>A, p.Arg1928Lys (NM_001386175.1); c.4411+4035G>A (NM_001386186.2, NM_001386148.2); c.4213+4035G>A (NM_001354269.3); c.4291+4035G>A (NM_001386187.2); c.4252+4035G>A (NM_001386147.1); and 35 more; short protein forms R1811K, R1936K, R1889K, R1928K, R689K.
Identifiers: ClinVar variation 2196999 (VCV002196999.4), dbSNP rs1588919365, ClinGen allele CA357920791.
Genomic context (GRCh38, chr4:113,354,284, plus strand): 5'-CGTCATCATCGAGTAAAACTGAGAAACACTCACCTGTATCACCCTCGACAAAAACTGAAA[G>A]GCACTCTCCTGTGTCATCTACAAAAACAGAAAGACACCCACCTGTTTCGCCTTCAGGCAA-3'
Protein context (NP_001139.3, residues 1879-1899): SPVSPSTKTE[Arg1889Lys]HSPVSSTKTE